The following is an entry in ClinVar:

NM_002637.4(PHKA1):c.2174C>A (p.Ala725Asp)

Gene: PHKA1 (phosphorylase kinase regulatory subunit alpha 1; minus strand). Cytogenetic location: Xq13.1.
Variant type: single nucleotide variant.
Coding change: c.2174C>A on transcript NM_002637.4 (MANE Select); coding-DNA position 2174, C replaced by A.
Protein change: p.Ala725Asp; replaces alanine 725 with aspartic acid.
Molecular consequence: missense variant.
Genome position (GRCh38, 1-based): chrX:72,619,269, G>T on the plus strand (C>A on the coding strand, the complement: PHKA1 is on the minus strand). VCF-style: chrX-72619269-G-T. GRCh37 (hg19) VCF-style: chrX-71839119-G-T.
Other names: c.2174C>A, p.Ala725Asp (NM_001122670.2); c.1997C>A, p.Ala666Asp (NM_001172436.2); short protein forms A666D, A725D.
Identifiers: ClinVar variation 1307195 (VCV001307195.2), dbSNP rs2052942606, ClinGen allele CA413590784.
Genomic context (GRCh38, chrX:72,619,269, plus strand): 5'-TTTACCTGGTTCTCCTGTCGGGGATGAGGTGAATCAAGTAAGTTGAATGAAGGCCGGGAA[G>T]CCTGAAATAACTTCGTAGGAAGATACATGTGAACATCTGCAAAAATATGACATTTATGGG-3'
Protein context (NP_002628.2, residues 715-735): HMYLPTKLFQ[Ala725Asp]SRPSFNLLDS

ClinVar aggregate classification (germline): Uncertain significance (1 of 4 stars; one submission).

Submission:

GeneDx
Classification: Uncertain significance. Last evaluated: 2019-07-12. Review status: criteria provided, single submitter. Criteria: GeneDx Variant Classification Process June 2021. Collection method: clinical testing. Allele origin: germline. Affected: yes.
Comment: Not observed in large population cohorts (Lek et al., 2016); In silico analysis, which includes protein predictors and evolutionary conservation, supports that this variant does not alter protein structure/function; Has not been previously published as pathogenic or benign to our knowledge